The following is an entry in ClinVar:

NM_001130987.2(DYSF):c.1033+94G>T

Gene: DYSF (dysferlin; plus strand). Cytogenetic location: 2p13.2.
Variant type: single nucleotide variant.
Coding change: c.1033+94G>T on transcript NM_001130987.2 (MANE Select); 94 bases into the intron after coding-DNA position 1033, G replaced by T.
Molecular consequence: intron variant.
Genome position (GRCh38, 1-based): chr2:71,520,302, G>T. VCF-style: chr2-71520302-G-T. GRCh37 (hg19) VCF-style: chr2-71747432-G-T.
Other names: c.1030+94G>T (NM_001130979.2, NM_001130981.2, NM_001130980.2); c.937+94G>T (NM_001130978.2, NM_003494.4, NM_001130977.2 and 1 more transcripts); c.1033+94G>T (NM_001130982.2, NM_001130985.2); c.940+94G>T (NM_001130983.2, NM_001130455.2, NM_001130984.2 and 1 more transcripts).
Identifiers: ClinVar variation 679411 (VCV000679411.5), dbSNP rs11687223, ClinGen allele CA11017521.

ClinVar aggregate classification (germline): Benign. Review status: criteria provided, multiple submitters, no conflicts (2 of 4 stars). 3 submissions from 3 submitters: Benign (3). Last evaluated 2021-06-10.

Conditions:
Miyoshi muscular dystrophy 1 (MMD1). Identifiers: Orphanet 45448, MedGen C4551973, MONDO:0024545, OMIM 254130.

Allele frequency attached by ClinVar (database versions not stated): 1000 Genomes Project 0.56370; 1000 Genomes Project 30x 0.57214; gnomAD exomes 0.65211; gnomAD 0.67166 and 0.68496; TOPMed 0.67801.
gnomAD v4.1: 881,171 of 1,347,194 alleles (65%); highest among the groups gnomAD compares: African/African-American, 77%; 296,044 homozygotes.

Submissions (3):

Genome-Nilou Lab
Classification: Benign for Miyoshi muscular dystrophy 1. Last evaluated: 2021-06-10. Review status: criteria provided, single submitter. Criteria: ACMG Guidelines, 2015. Collection method: clinical testing. Allele origin: germline. Affected: no.

GeneDx
Classification: Benign. Last evaluated: 2018-06-14. Review status: criteria provided, single submitter. Criteria: GeneDx Variant Classification (06012015). Collection method: clinical testing. Allele origin: germline. Affected: yes.
Comment: This variant is considered likely benign or benign based on one or more of the following criteria: it is a conservative change, it occurs at a poorly conserved position in the protein, it is predicted to be benign by multiple in silico algorithms, and/or has population frequency not consistent with disease.

Breakthrough Genomics
Classification: Benign. Review status: criteria provided, single submitter. Criteria: ACMG Guidelines, 2015. Collection method: not provided. Allele origin: germline. Inheritance: Autosomal recessive inheritance. Affected: yes.